The following is an entry in ClinVar:

NM_001103.4(ACTN2):c.1661del (p.Leu554fs)

Gene: ACTN2 (actinin alpha 2; plus strand). Cytogenetic location: 1q43.
Variant type: Deletion.
Coding change: c.1661del on transcript NM_001103.4 (MANE Select); coding-DNA position 1661, one base deleted (T; older notation c.1661delT).
Protein change: p.Leu554fs; shifts the reading frame from leucine 554.
Molecular consequence: frameshift variant. On other transcripts: non-coding transcript variant (1).
Genome position (GRCh38, 1-based): chr1:236,751,474, T deleted. VCF-style (leftmost placement, unchanged base first): chr1-236751473-CT-C. GRCh37 (hg19) VCF-style: chr1-236914773-CT-C.
Other names: c.1661del, p.Leu554fs (NM_001278343.2); short protein forms L554fs.
Identifiers: ClinVar variation 4531403 (VCV004531403.1).

ClinVar aggregate classification (germline): Likely pathogenic (1 of 4 stars; one submission).

Conditions:
Dilated cardiomyopathy 1AA (CMD1AA). Also called: CARDIOMYOPATHY, DILATED, 1AA, WITH OR WITHOUT LEFT VENTRICULAR NONCOMPACTION; CARDIOMYOPATHY, FAMILIAL HYPERTROPHIC, 23, WITH OR WITHOUT LEFT VENTRICULAR NONCOMPACTION; Cardiomyopathy, dilated, 1AA, with or without LVNC. Identifiers: Orphanet 154, MedGen C2677338, MONDO:0012808, OMIM 612158.

Submission:

Victorian Clinical Genetics Services, Murdoch Childrens Research Institute
Classification: Likely pathogenic for Dilated cardiomyopathy 1AA. Last evaluated: 2025-02-10. Review status: criteria provided, single submitter. Criteria: ACMG Guidelines, 2015. Collection method: clinical testing. Allele origin: germline. Affected: yes.
Comment: This variant is classified as Likely pathogenic. Evidence in support of pathogenic classification: Variant is predicted to cause nonsense-mediated decay (NMD) and loss of protein (premature termination codon is located at least 54 nucleotides upstream of the final exon-exon junction); Variant is absent from gnomAD (v2, v3 and v4); Other NMD-predicted variant(s) comparable to the one identified in this case have strong previous evidence for pathogenicity. Other NMD-predicted variants in this gene have been classified as VUS, likely pathogenic and pathogenic, and have been identified in individuals with hypertrophic cardiomyopathy, non-compaction cardiomyopathy, dilated cardiomyopathy and mitral valve prolapse (ClinVar, PMIDs: 36116040, 32973354, 33500567, 28436997, 31333075, VCGS internal database). Additionally, there is an enrichment of truncating variants in cohorts with left ventricular noncompaction cardiomyopathy (PMID: 33500567). Additional information: This variant is heterozygous; This gene is associated with autosomal dominant disease; This variant has no previous evidence of pathogenicity; No published segregation evidence has been identified for this variant; No published functional evidence has been identified for this variant; Loss of function is a known mechanism of disease in this gene and is associated with intrinsic cardiomyopathy (MONDO:0000591), ACTN2-related (OMIM, ClinGen). Loss of function has been demonstrated as a disease mechanism associated with missense variants, while dominant negative has also been suggested and associated with an in-frame deletion (PMID: 34802252). Additionally, loss of function is a likely mechanism of disease for null variants; Variants in this gene are known to have variable expressivity (PMID: 36116040); Inheritance information for this variant is not currently available in this individual.

Literature cited by the submitters: PubMed 34802252; PubMed 28436997; PubMed 31333075; PubMed 33500567; PubMed 32973354; PubMed 36116040.